The following is an entry in ClinVar:

ClinVar aggregate classification (germline): Pathogenic (1 of 4 stars; one submission).

Submission:

GeneDx
Classification: Pathogenic. Last evaluated: 2019-03-19. Review status: criteria provided, single submitter. Criteria: GeneDx Variant Classification (06012015). Collection method: clinical testing. Allele origin: germline. Affected: yes.
Comment: The Q452X nonsense variant in the CDKL5 gene is predicted to cause loss of normal protein function either through protein truncation or nonsense-mediated mRNA decay. The Q452X variant is not observed in large population cohorts (Lek et al., 2016).

NM_001323289.2(CDKL5):c.1354C>T (p.Gln452Ter)

Gene: CDKL5 (cyclin dependent kinase like 5; plus strand). Cytogenetic location: Xp22.13.
Variant type: single nucleotide variant.
Coding change: c.1354C>T on transcript NM_001323289.2 (MANE Select); coding-DNA position 1354, C replaced by T.
Protein change: p.Gln452Ter; replaces glutamine 452 with a stop codon.
Molecular consequence: nonsense.
Genome position (GRCh38, 1-based): chrX:18,604,278, C>T. VCF-style: chrX-18604278-C-T. GRCh37 (hg19) VCF-style: chrX-18622398-C-T.
Other names: c.1354C>T, p.Gln452Ter (NM_001037343.2, NM_003159.3); short protein forms Q452*.
Identifiers: ClinVar variation 817555 (VCV000817555.1), dbSNP rs1602286285, ClinGen allele CA412360565.